The following is an entry in ClinVar:

NM_001005361.3(DNM2):c.37G>C (p.Val13Leu)

Genes: DNM2 (dynamin 2; plus strand), LOC130063529 (ATAC-STARR-seq lymphoblastoid silent region 10090; plus strand). Cytogenetic location: 19p13.2.
Variant type: single nucleotide variant.
Coding change: c.37G>C on transcript NM_001005361.3 (MANE Select); coding-DNA position 37, G replaced by C.
Protein change: p.Val13Leu; replaces valine 13 with leucine.
Molecular consequence: missense variant.
Genome position (GRCh38, 1-based): chr19:10,718,279, G>C. VCF-style: chr19-10718279-G-C. GRCh37 (hg19) VCF-style: chr19-10828955-G-C.
Other names: p.Val13Leu; c.37G>C, p.Val13Leu (NM_001005360.3, NM_001005362.3, NM_001190716.2 and 1 more transcripts); short protein forms V13L.
Identifiers: ClinVar variation 2580181 (VCV002580181.4), dbSNP rs1479865077, ClinGen allele CA404046464.
Genomic context (GRCh38, chr19:10,718,279, plus strand): 5'-CTCGGGCCGGGGGCCGCCGGCGCCATGGGCAACCGCGGGATGGAAGAGCTGATCCCGCTG[G>C]TCAACAAACTGCAGGACGCCTTCAGCTCCATCGGCCAGAGCTGCCACCTGGACCTGCCGC-3'
Protein context (NP_001005361.1, residues 3-23): NRGMEELIPL[Val13Leu]NKLQDAFSSI

ClinVar aggregate classification (germline): Uncertain significance. Review status: criteria provided, multiple submitters, no conflicts (2 of 4 stars). 3 submissions from 3 submitters: Uncertain significance (3). Last evaluated 2025-07-01.

Conditions:
Charcot-Marie-Tooth disease dominant intermediate B (CMTDIB). Also called: Charcot-Marie-Tooth disease dominant intermediate 1; CMT DI1; Charcot-Marie-Tooth disease dominant intermediate I; CHARCOT-MARIE-TOOTH NEUROPATHY, DOMINANT INTERMEDIATE B. Identifiers: Orphanet 100044, Orphanet 228179, MedGen C1847902, MONDO:0011674, OMIM 606482.
Autosomal dominant centronuclear myopathy. Also called: MYOTUBULAR MYOPATHY, AUTOSOMAL DOMINANT; Myopathy, centronuclear, 3. Identifiers: Orphanet 169189, MedGen C4551952, MeSH D020914, MONDO:0008048, OMIM 160150.

Submissions (3):

Labcorp Genetics (formerly Invitae), Labcorp
Classification: Uncertain significance for Charcot-Marie-Tooth disease dominant intermediate B. Last evaluated: 2025-07-01. Review status: criteria provided, single submitter. Criteria: Invitae Variant Classification Sherloc (09022015). Collection method: clinical testing. Allele origin: germline.
Comment: This sequence change replaces valine, which is neutral and non-polar, with leucine, which is neutral and non-polar, at codon 13 of the DNM2 protein (p.Val13Leu). This variant is not present in population databases (gnomAD no frequency). This variant has not been reported in the literature in individuals affected with DNM2-related conditions. ClinVar contains an entry for this variant (Variation ID: 2580181). Invitae Evidence Modeling of protein sequence and biophysical properties (such as structural, functional, and spatial information, amino acid conservation, physicochemical variation, residue mobility, and thermodynamic stability) has been performed for this missense variant. However, the output from this modeling did not meet the statistical confidence thresholds required to predict the impact of this variant on DNM2 protein function. In summary, the available evidence is currently insufficient to determine the role of this variant in disease. Therefore, it has been classified as a Variant of Uncertain Significance.

Mayo Clinic Laboratories, Mayo Clinic
Classification: Uncertain significance. Last evaluated: 2025-01-02. Review status: criteria provided, single submitter. Criteria: ACMG Guidelines, 2015. Collection method: clinical testing. Allele origin: germline. Observed: 1 variant allele.

Department of Pathophysiology and Transplantation, University of Milan
Classification: Uncertain significance for Autosomal dominant centronuclear myopathy. Last evaluated: 2023-09-19. Review status: criteria provided, single submitter. Criteria: ACMG Guidelines, 2015. Collection method: clinical testing. Allele origin: de novo. Inheritance: Sporadic. Affected: yes. Observed: 1 heterozygote.
Comment: i) the variant is absent from population database (GnomAD MAF:0).